The following is an entry in ClinVar:

NM_003024.3(ITSN1):c.4739A>G (p.Lys1580Arg)

Genes: ITSN1 (intersectin 1; plus strand), LOC126653350 (BRD4-independent group 4 enhancer GRCh37_chr21:35257366-35258565; plus strand). Cytogenetic location: 21q22.11.
Variant type: single nucleotide variant.
Coding change: c.4739A>G on transcript NM_003024.3 (MANE Select); coding-DNA position 4739, A replaced by G.
Protein change: p.Lys1580Arg; replaces lysine 1580 with arginine.
Molecular consequence: missense variant.
Genome position (GRCh38, 1-based): chr21:33,885,103, A>G. VCF-style: chr21-33885103-A-G. GRCh37 (hg19) VCF-style: chr21-35257407-A-G.
Other names: c.4724A>G, p.Lys1575Arg (NM_001331010.2); short protein forms K1575R, K1580R.
Identifiers: ClinVar variation 3365943 (VCV003365943.1).

ClinVar aggregate classification (germline): Uncertain significance (1 of 4 stars; one submission).

Submission:

GeneDx
Classification: Uncertain significance. Last evaluated: 2023-12-19. Review status: criteria provided, single submitter. Criteria: GeneDx Variant Classification Process June 2021. Collection method: clinical testing. Allele origin: germline. Affected: yes.
Comment: Not observed at significant frequency in large population cohorts (gnomAD); In silico analysis supports that this missense variant has a deleterious effect on protein structure/function; Has not been previously published as pathogenic or benign to our knowledge